The following is an entry in ClinVar:

ClinVar aggregate classification (germline): Pathogenic (1 of 4 stars; one submission).

Conditions:
Beckwith-Wiedemann syndrome (BWS). Also called: Exomphalos macroglossia gigantism syndrome; EMG SYNDROME. Identifiers: Orphanet 116, MedGen C0004903, MONDO:0007534, OMIM 130650.

Submission:

Labcorp Genetics (formerly Invitae), Labcorp
Classification: Pathogenic for Beckwith-Wiedemann syndrome. Last evaluated: 2023-06-06. Review status: criteria provided, single submitter. Criteria: Invitae Variant Classification Sherloc (09022015). Collection method: clinical testing. Allele origin: germline.
Comment: For these reasons, this variant has been classified as Pathogenic. This variant disrupts a region of the CDKN1C protein in which other variant(s) (p.Pro302Leufs*19) have been determined to be pathogenic (PMID: 26077438; Invitae). This suggests that this is a clinically significant region of the protein, and that variants that disrupt it are likely to be disease-causing. This variant has not been reported in the literature in individuals affected with CDKN1C-related conditions. The frequency data for this variant in the population databases is considered unreliable, as metrics indicate insufficient coverage at this position in the gnomAD database. This sequence change creates a premature translational stop signal (p.Ala203Glyfs*38) in the CDKN1C gene. While this is not anticipated to result in nonsense mediated decay, it is expected to disrupt the last 114 amino acid(s) of the CDKN1C protein.

Literature cited by the submitters: PubMed 26077438.

NM_001122630.2(CDKN1C):c.572dup (p.Ala192fs)

Gene: CDKN1C (cyclin dependent kinase inhibitor 1C; minus strand). Cytogenetic location: 11p15.4.
Variant type: Duplication.
Coding change: c.572dup on transcript NM_001122630.2 (MANE Select); coding-DNA position 572, one base duplicated (C; older notation c.572dupC).
Protein change: p.Ala192fs; shifts the reading frame from alanine 192.
Molecular consequence: frameshift variant. On other transcripts: intron variant (1).
Genome position (GRCh38, 1-based): chr11:2,884,885, G duplicated on the plus strand (C on the coding strand, the reverse complement: CDKN1C is on the minus strand); the first of 4 consecutive G bases (chr11:2,884,885-2,884,888); duplicating any one gives the same sequence. VCF-style (leftmost placement, unchanged base first): chr11-2884884-C-CG. GRCh37 (hg19) VCF-style: chr11-2906114-C-CG.
Other names: c.605dup, p.Ala203fs (NM_000076.2, NM_001362474.2); c.572dup, p.Ala192fs (NM_001122631.2); c.255+317dup (NM_001362475.2); short protein forms A192fs, A203fs.
Identifiers: ClinVar variation 2694042 (VCV002694042.3), dbSNP rs2494385885, ClinGen allele CA2697548343.